The following is an entry in ClinVar:

ClinVar aggregate classification (germline): Uncertain significance (1 of 4 stars; one submission).

Conditions:
Inborn genetic diseases. Identifiers: MedGen C0950123, MeSH D030342.

Submission:

Ambry Genetics
Classification: Uncertain significance for Inborn genetic diseases. Last evaluated: 2023-12-10. Review status: criteria provided, single submitter. Criteria: Ambry Variant Classification Scheme 2023. Collection method: clinical testing. Allele origin: germline.
Comment: The p.D2063H variant (also known as c.6187G>C), located in coding exon 36 of the ATR gene, results from a G to C substitution at nucleotide position 6187. The aspartic acid at codon 2063 is replaced by histidine, an amino acid with similar properties. This amino acid position is conserved. In addition, the in silico prediction for this alteration is inconclusive. Since supporting evidence is limited at this time, the clinical significance of this alteration remains unclear.

NM_001184.4(ATR):c.6187G>C (p.Asp2063His)

Genes: ATR (ATR checkpoint kinase; minus strand), LOC126806830 (BRD4-independent group 4 enhancer GRCh37_chr3:142203676-142204875; plus strand). Cytogenetic location: 3q23.
Variant type: single nucleotide variant.
Coding change: c.6187G>C on transcript NM_001184.4 (MANE Select); coding-DNA position 6187, G replaced by C.
Protein change: p.Asp2063His; replaces aspartic acid 2063 with histidine.
Molecular consequence: missense variant.
Genome position (GRCh38, 1-based): chr3:142,485,174, C>G on the plus strand (G>C on the coding strand, the complement: ATR is on the minus strand). VCF-style: chr3-142485174-C-G. GRCh37 (hg19) VCF-style: chr3-142204016-C-G.
Other names: c.5995G>C, p.Asp1999His (NM_001354579.2); short protein forms D1999H, D2063H.
Identifiers: ClinVar variation 3221244 (VCV003221244.1), dbSNP rs755377625, ClinGen allele CA354809452.
Genomic context (GRCh38, chr3:142,485,174, plus strand): 5'-TGCAAACATGCAGTTCTCATACTCACCTGCCAAAATGAAGAACTATATACCGGATGAGAT[C>G]ACCTTGCTTTTCCATTTTGTTGTCTGTGACCATGGGCATCAATTTGTCATAGTACTTGGC-3'
Protein context (NP_001175.2, residues 2053-2073): VTDNKMEKQG[Asp2063His]LIRYIVLHFG